The following is an entry in ClinVar:

ClinVar aggregate classification (germline): Uncertain significance (1 of 4 stars; one submission).

Conditions:
Xeroderma pigmentosum, group F (XPF). Also called: XERODERMA PIGMENTOSUM, COMPLEMENTATION GROUP F; XERODERMA PIGMENTOSUM VI; XP, GROUP F; ERCC4-Related Xeroderma Pigmentosum; XERODERMA PIGMENTOSUM, TYPE F; Xeroderma pigmentosum, type 6. Identifiers: MedGen C0268140, MONDO:0010215, OMIM 278760.
Fanconi anemia complementation group Q. Identifiers: Orphanet 84, MedGen C3808988, MONDO:0014108, OMIM 615272.
Cockayne syndrome. Identifiers: Orphanet 191, MedGen C0009207, MONDO:0016006.

Allele frequency attached by ClinVar (database versions not stated): gnomAD exomes below 0.00001.
gnomAD v4.1: 5 of 1,612,444 alleles (0.00031%); highest among the groups gnomAD compares: East Asian, 0.0089%; no homozygotes.

Submission:

Labcorp Genetics (formerly Invitae), Labcorp
Classification: Uncertain significance for Fanconi anemia complementation group Q; Xeroderma pigmentosum, group F; Cockayne syndrome. Last evaluated: 2024-02-24. Review status: criteria provided, single submitter. Criteria: Invitae Variant Classification Sherloc (09022015). Collection method: clinical testing. Allele origin: germline.
Comment: This sequence change replaces tyrosine, which is neutral and polar, with cysteine, which is neutral and slightly polar, at codon 297 of the ERCC4 protein (p.Tyr297Cys). This variant is not present in population databases (gnomAD no frequency). This variant has not been reported in the literature in individuals affected with ERCC4-related conditions. ClinVar contains an entry for this variant (Variation ID: 575691). Advanced modeling of protein sequence and biophysical properties (such as structural, functional, and spatial information, amino acid conservation, physicochemical variation, residue mobility, and thermodynamic stability) has been performed at Invitae for this missense variant, however the output from this modeling did not meet the statistical confidence thresholds required to predict the impact of this variant on ERCC4 protein function. In summary, the available evidence is currently insufficient to determine the role of this variant in disease. Therefore, it has been classified as a Variant of Uncertain Significance.

NM_005236.3(ERCC4):c.890A>G (p.Tyr297Cys)

Gene: ERCC4 (ERCC excision repair 4, endonuclease catalytic subunit; plus strand). Cytogenetic location: 16p13.12.
Variant type: single nucleotide variant.
Coding change: c.890A>G on transcript NM_005236.3 (MANE Select); coding-DNA position 890, A replaced by G.
Protein change: p.Tyr297Cys; replaces tyrosine 297 with cysteine.
Molecular consequence: missense variant.
Genome position (GRCh38, 1-based): chr16:13,930,807, A>G. VCF-style: chr16-13930807-A-G. GRCh37 (hg19) VCF-style: chr16-14024664-A-G.
Other names: short protein forms Y297C.
Identifiers: ClinVar variation 575691 (VCV000575691.8), dbSNP rs996851583, ClinGen allele CA278466749.